The following is an entry in ClinVar:

NM_016203.4(PRKAG2):c.1529A>G (p.Lys510Arg)

Gene: PRKAG2 (protein kinase AMP-activated non-catalytic subunit gamma 2; minus strand). Cytogenetic location: 7q36.1.
Variant type: single nucleotide variant.
Coding change: c.1529A>G on transcript NM_016203.4 (MANE Select); coding-DNA position 1529, A replaced by G.
Protein change: p.Lys510Arg; replaces lysine 510 with arginine.
Molecular consequence: missense variant.
Genome position (GRCh38, 1-based): chr7:151,564,133, T>C on the plus strand (A>G on the coding strand, the complement: PRKAG2 is on the minus strand). VCF-style: chr7-151564133-T-C. GRCh37 (hg19) VCF-style: chr7-151261219-T-C.
Other names: c.1397A>G, p.Lys466Arg (NM_001040633.2); c.1154A>G, p.Lys385Arg (NM_001304527.2); c.806A>G, p.Lys269Arg (NM_001304531.2, NM_024429.2); c.1157A>G, p.Lys386Arg (NM_001363698.2); short protein forms K510R, K269R, K385R, K386R, K466R.
Identifiers: ClinVar variation 583049 (VCV000583049.10), dbSNP rs370899599, ClinGen allele CA055310.

ClinVar aggregate classification (germline): Uncertain significance. Review status: criteria provided, multiple submitters, no conflicts (2 of 4 stars). 3 submissions from 3 submitters: Uncertain significance (3). Last evaluated 2025-08-14.

Conditions:
Cardiomyopathy (CMYO). Also called: Cardiomyopathies. Identifiers: Orphanet 167848, MedGen C0878544, MONDO:0004994, HP:0001638. Inheritance: Various modes of inheritance.
Cardiovascular phenotype. Identifiers: MedGen CN230736.
Lethal congenital glycogen storage disease of heart. Also called: PHOSPHORYLASE KINASE DEFICIENCY OF HEART; GLYCOGEN STORAGE DISEASE OF HEART. Identifiers: Orphanet 439854, MedGen C1849813, MONDO:0009867, OMIM 261740.

Allele frequency attached by ClinVar (database versions not stated): gnomAD 0.00001; gnomAD exomes 0.00001; TOPMed 0.00001; ExAC 0.00002; ESP Exome Variant Server 0.00008.
gnomAD v4.1: 13 of 1,614,040 alleles (0.00081%); highest among the groups gnomAD compares: Non-Finnish European, 0.0011%; no homozygotes.

Submissions (3):

Ambry Genetics
Classification: Uncertain significance for Cardiovascular phenotype. Last evaluated: 2025-08-14. Review status: criteria provided, single submitter. Criteria: Ambry Variant Classification Scheme 2023. Collection method: clinical testing. Allele origin: germline.

Labcorp Genetics (formerly Invitae), Labcorp
Classification: Uncertain significance for Lethal congenital glycogen storage disease of heart. Last evaluated: 2024-04-08. Review status: criteria provided, single submitter. Criteria: Invitae Variant Classification Sherloc (09022015). Collection method: clinical testing. Allele origin: germline.
Comment: This sequence change replaces lysine, which is basic and polar, with arginine, which is basic and polar, at codon 510 of the PRKAG2 protein (p.Lys510Arg). This variant is present in population databases (rs370899599, gnomAD 0.0009%). This variant has not been reported in the literature in individuals affected with PRKAG2-related conditions. ClinVar contains an entry for this variant (Variation ID: 583049). Advanced modeling of protein sequence and biophysical properties (such as structural, functional, and spatial information, amino acid conservation, physicochemical variation, residue mobility, and thermodynamic stability) has been performed at Invitae for this missense variant, however the output from this modeling did not meet the statistical confidence thresholds required to predict the impact of this variant on PRKAG2 protein function. In summary, the available evidence is currently insufficient to determine the role of this variant in disease. Therefore, it has been classified as a Variant of Uncertain Significance.

Color Diagnostics, LLC DBA Color Health
Classification: Uncertain significance for Cardiomyopathy. Last evaluated: 2023-12-12. Review status: criteria provided, single submitter. Criteria: ACMG Guidelines, 2015. Collection method: clinical testing. Allele origin: germline.
Comment: This missense variant replaces lysine with arginine at codon 510 of the PRKAG2 protein. Computational prediction suggests that this variant may not impact protein structure and function. To our knowledge, functional studies have not been reported for this variant. This variant has not been reported in individuals affected with PRKAG2-related disorders in the literature. This variant has been identified in 2/251490 chromosomes in the general population by the Genome Aggregation Database (gnomAD). The available evidence is insufficient to determine the role of this variant in disease conclusively. Therefore, this variant is classified as a Variant of Uncertain Significance.